The following is an entry in ClinVar:

ClinVar aggregate classification (germline): Uncertain significance (1 of 4 stars; one submission).

Conditions:
Fanconi anemia (FA). Also called: Fanconi's anemia. Identifiers: Orphanet 84, MedGen C0015625, MeSH D005199, MONDO:0019391.

Allele frequency attached by ClinVar (database versions not stated): gnomAD exomes below 0.00001.
gnomAD v4.1: 1 of 1,614,166 alleles (0.000062%); highest among the groups gnomAD compares: Non-Finnish European, 0.000085%; no homozygotes.

Submission:

Labcorp Genetics (formerly Invitae), Labcorp
Classification: Uncertain significance for Fanconi anemia. Last evaluated: 2022-10-16. Review status: criteria provided, single submitter. Criteria: Invitae Variant Classification Sherloc (09022015). Collection method: clinical testing. Allele origin: germline.
Comment: This variant has not been reported in the literature in individuals affected with FANCG-related conditions. Advanced modeling of protein sequence and biophysical properties (such as structural, functional, and spatial information, amino acid conservation, physicochemical variation, residue mobility, and thermodynamic stability) performed at Invitae indicates that this missense variant is not expected to disrupt FANCG protein function. Algorithms developed to predict the effect of sequence changes on RNA splicing suggest that this variant may disrupt the consensus splice site. In summary, the available evidence is currently insufficient to determine the role of this variant in disease. Therefore, it has been classified as a Variant of Uncertain Significance. This sequence change replaces glycine, which is neutral and non-polar, with valine, which is neutral and non-polar, at codon 502 of the FANCG protein (p.Gly502Val). This variant is not present in population databases (gnomAD no frequency).

NM_004629.2(FANCG):c.1505G>T (p.Gly502Val)

Gene: FANCG (FA complementation group G; minus strand). Cytogenetic location: 9p13.3.
Variant type: single nucleotide variant.
Coding change: c.1505G>T on transcript NM_004629.2 (MANE Select); coding-DNA position 1505, G replaced by T.
Protein change: p.Gly502Val; replaces glycine 502 with valine.
Molecular consequence: missense variant.
Genome position (GRCh38, 1-based): chr9:35,075,058, C>A on the plus strand (G>T on the coding strand, the complement: FANCG is on the minus strand). VCF-style: chr9-35075058-C-A. GRCh37 (hg19) VCF-style: chr9-35075055-C-A.
Other names: short protein forms G502V.
Identifiers: ClinVar variation 1721737 (VCV001721737.5), dbSNP rs1829057065, ClinGen allele CA373304933.